The following is an entry in ClinVar:

ClinVar aggregate classification (germline): Pathogenic (1 of 4 stars; one submission).

Conditions:
Inborn genetic diseases. Identifiers: MedGen C0950123, MeSH D030342.

Submission:

Ambry Genetics
Classification: Pathogenic for Inborn genetic diseases. Last evaluated: 2025-05-28. Review status: criteria provided, single submitter. Criteria: Ambry Variant Classification Scheme 2023. Collection method: clinical testing. Allele origin: germline.
Comment: The c.2299C>T (p.R767*) alteration, located in exon 20 (coding exon 19) of the DHX9 gene, consists of a C to T substitution at nucleotide position 2299. This changes the amino acid from an arginine (R) to a stop codon at amino acid position 767. This alteration is expected to result in loss of function by premature protein truncation or nonsense-mediated mRNA decay. This variant was not reported in population-based cohorts in the Genome Aggregation Database (gnomAD). Based on the available evidence, this alteration is classified as pathogenic.

NM_001357.5(DHX9):c.2299C>T (p.Arg767Ter)

Gene: DHX9 (DExH-box helicase 9; plus strand). Cytogenetic location: 1q25.3.
Variant type: single nucleotide variant.
Coding change: c.2299C>T on transcript NM_001357.5 (MANE Select); coding-DNA position 2299, C replaced by T.
Protein change: p.Arg767Ter; replaces arginine 767 with a stop codon.
Molecular consequence: nonsense. On other transcripts: non-coding transcript variant (1).
Genome position (GRCh38, 1-based): chr1:182,878,121, C>T. VCF-style: chr1-182878121-C-T. GRCh37 (hg19) VCF-style: chr1-182847256-C-T.
Other names: short protein forms R767*.
Identifiers: ClinVar variation 4011532 (VCV004011532.1).
Genomic context (GRCh38, chr1:182,878,121, plus strand): 5'-AACTATGCTACCGTATGGGCATCAAAAACAAACCTTGAGCAACGGAAAGGGCGAGCTGGC[C>T]GAGTACGGCCTGGATTCTGCTTTCACCTGTGCAGCCGAGCTCGTTTTGAGAGGTAAGACC-3'